The following is an entry in ClinVar:

NM_001127222.2(CACNA1A):c.6015C>T (p.Ala2005=)

Gene: CACNA1A (calcium voltage-gated channel subunit alpha1 A; minus strand). Cytogenetic location: 19p13.13.
Variant type: single nucleotide variant.
Coding change: c.6015C>T on transcript NM_001127222.2 (MANE Select); coding-DNA position 6015, C replaced by T.
Protein change: p.Ala2005=; no amino-acid change (alanine 2005 retained).
Molecular consequence: synonymous variant.
Genome position (GRCh38, 1-based): chr19:13,212,666, G>A on the plus strand (C>T on the coding strand, the complement: CACNA1A is on the minus strand). VCF-style: chr19-13212666-G-A. GRCh37 (hg19) VCF-style: chr19-13323480-G-A.
Other names: c.6033C>T, p.Ala2011= (NM_000068.4, NM_023035.3); c.6018C>T, p.Ala2006= (NM_001127221.2); c.6024C>T, p.Ala2008= (NM_001174080.2).
Identifiers: ClinVar variation 383723 (VCV000383723.51), dbSNP rs369675855, ClinGen allele CA9239503.

ClinVar aggregate classification (germline): Likely benign. Review status: criteria provided, multiple submitters, no conflicts (2 of 4 stars). 4 submissions from 4 submitters: Likely benign (4). Last evaluated 2025-12-15.

Conditions:
Developmental and epileptic encephalopathy, 42 (DEE42A). Also called: DEVELOPMENTAL AND EPILEPTIC ENCEPHALOPATHY 42A; EPILEPTIC ENCEPHALOPATHY, EARLY INFANTILE, 42A; Epileptic encephalopathy, early infantile, 42. Identifiers: MedGen C4310716, MONDO:0014917, OMIM 617106.
Episodic ataxia type 2 (EA2). Also called: ATAXIA, EPISODIC, WITH NYSTAGMUS; ATAXIA, FAMILIAL PAROXYSMAL; CEREBELLAR ATAXIA, PAROXYSMAL, ACETAZOLAMIDE-RESPONSIVE; CEREBELLOPATHY, HEREDITARY PAROXYSMAL; ACETAZOLAMIDE-RESPONSIVE HEREDITARY PAROXYSMAL CEREBELLAR ATAXIA; EPISODIC ATAXIA, NYSTAGMUS-ASSOCIATED. Identifiers: Orphanet 97, MedGen C1720416, MONDO:0007163, OMIM 108500.

Allele frequency attached by ClinVar (database versions not stated): gnomAD 0.00001; gnomAD exomes 0.00001 and 0.00002; ExAC 0.00005; ESP Exome Variant Server 0.00008.
gnomAD v4.1: 13 of 1,515,640 alleles (0.00086%); highest among the groups gnomAD compares: South Asian, 0.0027%; no homozygotes.

Submissions (4):

Labcorp Genetics (formerly Invitae), Labcorp
Classification: Likely benign for Developmental and epileptic encephalopathy, 42; Episodic ataxia type 2. Last evaluated: 2025-12-15. Review status: criteria provided, single submitter. Criteria: Invitae Variant Classification Sherloc (09022015). Collection method: clinical testing. Allele origin: germline.

CeGaT Center for Human Genetics Tuebingen
Classification: Likely benign. Last evaluated: 2024-11-01. Review status: criteria provided, single submitter. Criteria: CeGaT Center For Human Genetics Tuebingen Variant Classification Criteria Version 2. Collection method: clinical testing. Allele origin: germline. Affected: yes. Observed: 2 variant alleles.
Comment: CACNA1A: BP4, BP7

Blueprint Genetics
Classification: Likely benign. Last evaluated: 2023-11-14. Review status: criteria provided, single submitter. Criteria: ACMG Guidelines, 2015. Collection method: clinical testing. Allele origin: germline.

GeneDx
Classification: Likely benign. Last evaluated: 2016-02-23. Review status: criteria provided, single submitter. Criteria: GeneDx Variant Classification (06012015). Collection method: clinical testing. Allele origin: germline. Affected: yes.
Comment: This variant is considered likely benign or benign based on one or more of the following criteria: it is a conservative change, it occurs at a poorly conserved position in the protein, it is predicted to be benign by multiple in silico algorithms, and/or has population frequency not consistent with disease.